The following is an entry in ClinVar:

ClinVar aggregate classification (germline): Likely pathogenic (1 of 4 stars; one submission).

Submission:

Labcorp Genetics (formerly Invitae), Labcorp
Classification: Likely pathogenic. Last evaluated: 2024-01-10. Review status: criteria provided, single submitter. Criteria: Invitae Variant Classification Sherloc (09022015). Collection method: clinical testing. Allele origin: germline.
Comment: This sequence change affects a donor splice site in intron 21 of the CLTC gene. It is expected to disrupt RNA splicing. Variants that disrupt the donor or acceptor splice site typically lead to a loss of protein function (PMID: 16199547), and loss-of-function variants in CLTC are known to be pathogenic (PMID: 29100083). This variant is not present in population databases (gnomAD no frequency). This variant has not been reported in the literature in individuals affected with CLTC-related conditions. Algorithms developed to predict the effect of sequence changes on RNA splicing suggest that this variant may disrupt the consensus splice site. In summary, the currently available evidence indicates that the variant is pathogenic, but additional data are needed to prove that conclusively. Therefore, this variant has been classified as Likely Pathogenic.

Literature cited by the submitters: PubMed 16199547; PubMed 29100083.

NM_004859.4(CLTC):c.3442+1G>T

Gene: CLTC (clathrin heavy chain; plus strand). Cytogenetic location: 17q23.1.
Variant type: single nucleotide variant.
Coding change: c.3442+1G>T on transcript NM_004859.4 (MANE Select); the canonical splice donor site of the intron after coding-DNA position 3442, G replaced by T.
Molecular consequence: splice donor variant.
Genome position (GRCh38, 1-based): chr17:59,681,840, G>T. VCF-style: chr17-59681840-G-T. GRCh37 (hg19) VCF-style: chr17-57759201-G-T.
Other names: c.3454+1G>T (NM_001288653.2).
Identifiers: ClinVar variation 2770379 (VCV002770379.3), dbSNP rs2509151829, ClinGen allele CA400417809.